The following is an entry in ClinVar:

NM_006231.4(POLE):c.6837GAA[1] (p.Lys2280del)

Gene: POLE (DNA polymerase epsilon, catalytic subunit; minus strand). Cytogenetic location: 12q24.33.
Variant type: Microsatellite.
Coding change: c.6837GAA[1] on transcript NM_006231.4 (MANE Select); one copy of the 3-base unit GAA starting at c.6837; the reference has two copies in a row; one copy, 3 bases deleted.
Protein change: p.Lys2280del; deletes lysine 2280.
Molecular consequence: inframe deletion.
Genome position (GRCh38, 1-based): chr12:132,624,716-132,624,718, TTC deleted on the plus strand (GAA on the coding strand, the reverse complement: POLE is on the minus strand); deleting any 3 consecutive bases within chr12:132,624,716-132,624,722 gives the same sequence; the position shown is the placement nearest the transcript's 3' end. VCF-style (leftmost placement, unchanged base first): chr12-132624715-GTTC-G. GRCh37 (hg19) VCF-style: chr12-133201301-GTTC-G.
Other names: short protein forms K2280del.
Identifiers: ClinVar variation 4862227 (VCV004862227.1).

ClinVar aggregate classification (germline): Uncertain significance (1 of 4 stars; one submission).

Conditions:
Hereditary cancer-predisposing syndrome. Also called: Neoplastic Syndromes, Hereditary; Tumor predisposition; Hereditary Cancer Syndrome; Hereditary neoplastic syndrome. Identifiers: Orphanet 140162, MedGen C0027672, MeSH D009386, MONDO:0015356.

Submission:

Ambry Genetics
Classification: Uncertain significance for Hereditary cancer-predisposing syndrome. Last evaluated: 2026-05-21. Review status: criteria provided, single submitter. Criteria: Ambry Variant Classification Scheme 2023. Collection method: clinical testing. Allele origin: germline.
Comment: The c.6840_6842delGAA variant (also known as p.K2280del) is located in coding exon 49 of the POLE gene. This variant results from an in-frame GAA deletion at nucleotide positions 6840 to 6842. This results in the in-frame deletion of a lysine at codon 2280. This amino acid position is poorly conserved in available vertebrate species. In addition, this alteration is predicted to be neutral by in silico analysis (Choi Y et al. PLoS ONE. 2012; 7(10):e46688). Since supporting evidence is limited at this time, the clinical significance of this alteration remains unclear.